The following is an entry in ClinVar:

ClinVar aggregate classification (germline): Benign. Review status: criteria provided, multiple submitters, no conflicts (2 of 4 stars). 5 submissions from 4 submitters: Benign (3). 2 of the submissions do not count toward it. Last evaluated 2026-09-01.

Conditions:
Holocarboxylase synthetase deficiency. Also called: MULTIPLE CARBOXYLASE DEFICIENCY, EARLY ONSET. Identifiers: Orphanet 79242, MedGen C0268581, MONDO:0009666, OMIM 253270.

Submissions (5):

CeGaT Center for Human Genetics Tuebingen
Classification: Benign. Last evaluated: 2026-09-01. Review status: criteria provided, single submitter. Criteria: CeGaT Center For Human Genetics Tuebingen Variant Classification Criteria Version 2. Collection method: clinical testing. Allele origin: germline. Affected: yes. Observed: 42 variant alleles.
Comment: HLCS: BS1, BS2

Women's Health and Genetics/Laboratory Corporation of America, LabCorp
Classification: Benign. Last evaluated: 2021-05-20. Review status: criteria provided, single submitter. Criteria: LabCorp Variant Classification Summary - May 2015. Collection method: clinical testing. Allele origin: germline.
Comment: Variant summary: HLCS c.*7_*9delGCG is located in the untranslated mRNA region downstream of the termination codon. The variant allele was found at a frequency of 0.0086 in 249008 control chromosomes in the gnomAD database, including 17 homozygotes. The observed variant frequency is approximately 3-fold of the estimated maximal expected allele frequency for a pathogenic variant in HLCS causing Holocarboxylase Synthetase Deficiency phenotype (0.0028), strongly suggesting that the variant is benign. To our knowledge, no occurrence of c.*7_*9delGCG in individuals affected with Holocarboxylase Synthetase Deficiency and no experimental evidence demonstrating its impact on protein function have been reported. A ClinVar submitter (evaluation after 2014) cites the variant as benign. Based on the evidence outlined above, the variant was classified as benign.

GeneDx
Classification: Benign. Last evaluated: 2015-03-03. Review status: criteria provided, single submitter. Criteria: GeneDx Variant Classification Process June 2021. Collection method: clinical testing. Allele origin: germline. Affected: yes.

Natera, Inc.
Classification: Benign for Holocarboxylase synthetase deficiency. Last evaluated: 2020-09-16. Review status: no assertion criteria provided. Collection method: clinical testing. Allele origin: germline. Not counted in ClinVar's aggregate classification.

GeneDx
Classification: Benign. Last evaluated: 2014-04-02. Review status: flagged submission. Criteria: GeneDx Variant Classification (06012015). Collection method: clinical testing. Allele origin: germline. Affected: yes. Not counted in ClinVar's aggregate classification.
Comment: The variant is found in MITONUC-MITOP panel(s).
ClinVar note: Reason: This record appears to be redundant with a more recent record from the same submitter.
ClinVar note: Notes: SCV000238904 appears to be redundant with SCV001892825.

NM_001352514.2(HLCS):c.*7_*9del

Gene: HLCS (holocarboxylase synthetase; minus strand). Cytogenetic location: 21q22.13.
Variant type: Deletion.
Coding change: c.*7_*9del on transcript NM_001352514.2 (MANE Select); 7 bases downstream of the stop codon through 9 bases downstream of the stop codon, 3 bases deleted (GCG; older notation c.*7_*9delGCG).
Molecular consequence: 3 prime UTR variant. On other transcripts: non-coding transcript variant (2).
Genome position (GRCh38, 1-based): chr21:36,754,237-36,754,239, CGC deleted on the plus strand (GCG on the coding strand, the reverse complement: HLCS is on the minus strand); deleting any 3 consecutive bases within chr21:36,754,237-36,754,240 gives the same sequence; the c. name uses the placement nearest the transcript's 3' end. VCF-style (leftmost placement, unchanged base first): chr21-36754236-ACGC-A. GRCh37 (hg19) VCF-style: chr21-38126537-ACGC-A.
Other names: c.*7_*9del (NM_000411.8, NM_001242784.3, NM_001242785.2 and 4 more transcripts); c.*7_*9delGCG (NM_000411.8).
Identifiers: ClinVar variation 203756 (VCV000203756.36), dbSNP rs201681436, ClinGen allele CA312600.